The following is an entry in ClinVar:

NM_203447.4(DOCK8):c.156+304A>G

Gene: DOCK8 (dedicator of cytokinesis 8; plus strand). Cytogenetic location: 9p24.3.
Variant type: single nucleotide variant.
Coding change: c.156+304A>G on transcript NM_203447.4 (MANE Select); 304 bases into the intron after coding-DNA position 156, A replaced by G.
Molecular consequence: intron variant.
Genome position (GRCh38, 1-based): chr9:272,033, A>G. VCF-style: chr9-272033-A-G. GRCh37 (hg19) VCF-style: chr9-272033-A-G.
Identifiers: ClinVar variation 673663 (VCV000673663.1), dbSNP rs61393783, ClinGen allele CA187758400.

ClinVar aggregate classification (germline): Benign (1 of 4 stars; one submission).

Allele frequency attached by ClinVar (database versions not stated): gnomAD 0.03311 and 0.03552; 1000 Genomes Project 0.03335; 1000 Genomes Project 30x 0.03623; TOPMed 0.03645.
gnomAD v4.1: 4,992 of 152,298 alleles (3.3%); highest among the groups gnomAD compares: African/African-American, 11%; 257 homozygotes.

Submission:

GeneDx
Classification: Benign. Last evaluated: 2018-06-16. Review status: criteria provided, single submitter. Criteria: GeneDx Variant Classification (06012015). Collection method: clinical testing. Allele origin: germline. Affected: yes.
Comment: This variant is considered likely benign or benign based on one or more of the following criteria: it is a conservative change, it occurs at a poorly conserved position in the protein, it is predicted to be benign by multiple in silico algorithms, and/or has population frequency not consistent with disease.